The following is an entry in ClinVar:

NM_152564.5(VPS13B):c.11252del (p.Asn3751fs)

Gene: VPS13B (vacuolar protein sorting 13 homolog B; plus strand). Cytogenetic location: 8q22.2.
Variant type: Deletion.
Coding change: c.11252del on transcript NM_152564.5 (MANE Select); coding-DNA position 11252, one base deleted (A; older notation c.11252delA).
Protein change: p.Asn3751fs; shifts the reading frame from asparagine 3751.
Molecular consequence: frameshift variant.
Genome position (GRCh38, 1-based): chr8:99,868,325, A deleted; the last of 2 consecutive A bases (chr8:99,868,324-99,868,325); deleting either gives the same sequence. VCF-style (leftmost placement, unchanged base first): chr8-99868323-GA-G. GRCh37 (hg19) VCF-style: chr8-100880551-GA-G.
Other names: c.11327del, p.Asn3776fs (NM_017890.5); short protein forms N3751fs, N3776fs.
Identifiers: ClinVar variation 1073212 (VCV001073212.9), dbSNP rs2130962934, ClinGen allele CA2499219495.

ClinVar aggregate classification (germline): Pathogenic (1 of 4 stars; one submission).

Conditions:
Cohen syndrome (COH1). Also called: PEPPER SYNDROME; Cutis verticis gyrata, retinitis pigmentosa, and sensorineural deafness. Identifiers: Orphanet 193, MedGen C0265223, MONDO:0008999, OMIM 216550.

Submission:

Labcorp Genetics (formerly Invitae), Labcorp
Classification: Pathogenic for Cohen syndrome. Last evaluated: 2020-05-13. Review status: criteria provided, single submitter. Criteria: Invitae Variant Classification Sherloc (09022015). Collection method: clinical testing. Allele origin: germline.
Comment: For these reasons, this variant has been classified as Pathogenic. Loss-of-function variants in VPS13B are known to be pathogenic (PMID: 15141358, 16648375, 20461111). This variant has been observed in individual(s) with Cohen syndrome (PMID: 25060287). It has also been observed to segregate with disease in related individuals. This variant is not present in population databases (ExAC no frequency). This sequence change creates a premature translational stop signal (p.Asn3776Thrfs*102) in the VPS13B gene. It is expected to result in an absent or disrupted protein product.

Literature cited by the submitters: PubMed 15141358; PubMed 16648375; PubMed 20461111; PubMed 25060287.